The following is an entry in ClinVar:

ClinVar aggregate classification (germline): Uncertain significance. Review status: criteria provided, multiple submitters, no conflicts (2 of 4 stars). 2 submissions from 2 submitters: Uncertain significance (2). Last evaluated 2025-06-18.

Conditions:
Inborn genetic diseases. Identifiers: MedGen C0950123, MeSH D030342.

Allele frequency attached by ClinVar (database versions not stated): gnomAD exomes below 0.00001; TOPMed 0.00001; ESP Exome Variant Server 0.00008.
gnomAD v4.1: 1 of 1,612,402 alleles (0.000062%); highest among the groups gnomAD compares: Non-Finnish European, 0.000085%; no homozygotes.

Submissions (2):

Ambry Genetics
Classification: Uncertain significance for Inborn genetic diseases. Last evaluated: 2025-06-18. Review status: criteria provided, single submitter. Criteria: Ambry Variant Classification Scheme 2023. Collection method: clinical testing. Allele origin: germline.

GeneDx
Classification: Uncertain significance. Last evaluated: 2019-12-23. Review status: criteria provided, single submitter. Criteria: GeneDx Variant Classification Process June 2021. Collection method: clinical testing. Allele origin: germline. Affected: yes.
Comment: Not observed in large population cohorts (Lek et al., 2016); In silico analysis, which includes protein predictors and evolutionary conservation, supports that this variant does not alter protein structure/function; Has not been previously published as pathogenic or benign to our knowledge

NM_002180.3(IGHMBP2):c.1456G>A (p.Val486Met)

Gene: IGHMBP2 (immunoglobulin mu DNA binding protein 2; plus strand). Cytogenetic location: 11q13.3.
Variant type: single nucleotide variant.
Coding change: c.1456G>A on transcript NM_002180.3 (MANE Select); coding-DNA position 1456, G replaced by A.
Protein change: p.Val486Met; replaces valine 486 with methionine.
Molecular consequence: missense variant.
Genome position (GRCh38, 1-based): chr11:68,933,832, G>A. VCF-style: chr11-68933832-G-A. GRCh37 (hg19) VCF-style: chr11-68701300-G-A.
Other names: short protein forms V486M.
Identifiers: ClinVar variation 1311238 (VCV001311238.3), dbSNP rs374456063, ClinGen allele CA223408927.